The following is an entry in ClinVar:

NM_001366145.2(TRPM3):c.3248G>A (p.Arg1083Gln)

Gene: TRPM3 (transient receptor potential cation channel subfamily M member 3; minus strand). Cytogenetic location: 9q21.12.
Variant type: single nucleotide variant.
Coding change: c.3248G>A on transcript NM_001366145.2 (MANE Select); coding-DNA position 3248, G replaced by A.
Protein change: p.Arg1083Gln; replaces arginine 1083 with glutamine.
Molecular consequence: missense variant.
Genome position (GRCh38, 1-based): chr9:70,553,286, C>T on the plus strand (G>A on the coding strand, the complement: TRPM3 is on the minus strand). VCF-style: chr9-70553286-C-T. GRCh37 (hg19) VCF-style: chr9-73168202-C-T.
Other names: c.3212G>A, p.Arg1071Gln (NM_001007471.4, NM_001366151.2); c.3218G>A, p.Arg1073Gln (NM_001366141.2, NM_001366143.2, NM_001366149.2); c.3254G>A, p.Arg1085Gln (NM_001366142.2); c.2789G>A, p.Arg930Gln (NM_024971.7, NM_001366154.2); c.2723G>A, p.Arg908Gln (NM_206944.5); c.2759G>A, p.Arg920Gln (NM_206945.5); c.2828G>A, p.Arg943Gln (NM_206946.5); c.2798G>A, p.Arg933Gln (NM_206947.5); and 5 more; short protein forms R1083Q, R1085Q, R908Q, R1071Q, R1073Q, R920Q, R1108Q, R930Q.
Identifiers: ClinVar variation 3329216 (VCV003329216.2).

ClinVar aggregate classification (germline): Conflicting classifications of pathogenicity. Review status: criteria provided, conflicting classifications (1 of 4 stars). 2 submissions from 2 submitters: Uncertain significance (1); Likely benign (1). Last evaluated 2026-09-01.

Conditions:
Inborn genetic diseases. Identifiers: MedGen C0950123, MeSH D030342.

gnomAD v4.1: 84 of 1,614,032 alleles (0.0052%); highest among the groups gnomAD compares: Admixed American, 0.01%; no homozygotes.

Submissions (2):

CeGaT Center for Human Genetics Tuebingen
Classification: Likely benign. Last evaluated: 2026-09-01. Review status: criteria provided, single submitter. Criteria: CeGaT Center For Human Genetics Tuebingen Variant Classification Criteria Version 2. Collection method: clinical testing. Allele origin: germline. Affected: yes. Observed: 1 variant allele.
Comment: TRPM3: BS2

Ambry Genetics
Classification: Uncertain significance for Inborn genetic diseases. Last evaluated: 2024-03-25. Review status: criteria provided, single submitter. Criteria: Ambry Variant Classification Scheme 2023. Collection method: clinical testing. Allele origin: germline.